The following is an entry in ClinVar:

NM_000489.6(ATRX):c.4125_4126delinsGG (p.Ser1375_Ser1376delinsArgGly)

Gene: ATRX (ATRX chromatin remodeler; minus strand). Cytogenetic location: Xq21.1.
Variant type: Indel.
Coding change: c.4125_4126delinsGG on transcript NM_000489.6 (MANE Select); coding-DNA positions 4125 to 4126, CA replaced by GG.
Protein change: p.Ser1375_Ser1376delinsArgGly.
Molecular consequence: missense variant.
Genome position (GRCh38, 1-based): chrX:77,656,648-77,656,649, TG replaced by CC on the plus strand (CA replaced by GG on the coding strand, the reverse complement: ATRX is on the minus strand). VCF-style: chrX-77656648-TG-CC. GRCh37 (hg19) VCF-style: chrX-76912138-TG-CC.
Other names: c.4011_4012delinsGG, p.Ser1337_Ser1338delinsArgGly (NM_138270.5).
Identifiers: ClinVar variation 4735725 (VCV004735725.1).
Genomic context (GRCh38, chrX:77,656,648, plus strand): 5'-ATTCACTAACTTCTTCACTAACTCCTGATTCCTGAAAATCAGAATCTTCTGAATCTTCAC[TG>CC]CTCACTTGAATTTTAAAAAATACATAAAATTATTAATTATTTTTCAATAGAAACCTAATT-3'

ClinVar aggregate classification (germline): Uncertain significance (1 of 4 stars; one submission).

Conditions:
Alpha thalassemia-X-linked intellectual disability syndrome (ATRX). Also called: ALPHA-THALASSEMIA/MENTAL RETARDATION SYNDROME, X-LINKED; ATR, NONDELETION TYPE; ATR-X syndrome; Alpha thalassemia mental retardation syndrome, nondeletion type, X-linked; XLMR hypotonic face syndrome; X-linked alpha-thalassemia-mental retardation syndrome. Identifiers: Orphanet 847, MedGen C1845055, MONDO:0010519, OMIM 301040.

Submission:

Labcorp Genetics (formerly Invitae), Labcorp
Classification: Uncertain significance for Alpha thalassemia-X-linked intellectual disability syndrome. Last evaluated: 2026-01-19. Review status: criteria provided, single submitter. Criteria: Invitae Variant Classification Sherloc (09022015). Collection method: clinical testing. Allele origin: germline.
Comment: This variant, c.4125_4126delinsGG, is a complex sequence change that results in the deletion of 2 and insertion of 2 amino acid(s) in the ATRX protein (p.Ser1375_Ser1376delinsArgGly). Information on the frequency of this variant in the gnomAD database is not available, as this variant may be reported differently in the database. This variant has not been reported in the literature in individuals affected with ATRX-related conditions. Experimental studies and prediction algorithms are not available or were not evaluated, and the functional significance of this variant is currently unknown. In summary, the available evidence is currently insufficient to determine the role of this variant in disease. Therefore, it has been classified as a Variant of Uncertain Significance.